The following is an entry in ClinVar:

ClinVar aggregate classification (germline): Uncertain significance. Review status: criteria provided, multiple submitters, no conflicts (2 of 4 stars). 3 submissions from 3 submitters: Uncertain significance (2). 1 of the submissions does not count toward it. Last evaluated 2022-02-06.

Conditions:
Maturity-onset diabetes of the young (MODY). Also called: Maturity onset diabetes mellitus in young. Identifiers: Orphanet 552, MedGen C0342276, MONDO:0018911, HP:0004904.

Allele frequency attached by ClinVar (database versions not stated): gnomAD below 0.00001 and 0.00001; ExAC 0.00004; gnomAD exomes 0.00005.
gnomAD v4.1: 42 of 1,613,392 alleles (0.0026%); highest among the groups gnomAD compares: South Asian, 0.043%; 1 homozygote.

Submissions (3):

Labcorp Genetics (formerly Invitae), Labcorp
Classification: Uncertain significance. Last evaluated: 2022-02-06. Review status: criteria provided, single submitter. Criteria: Invitae Variant Classification Sherloc (09022015). Collection method: clinical testing. Allele origin: germline.
Comment: In summary, the available evidence is currently insufficient to determine the role of this variant in disease. Therefore, it has been classified as a Variant of Uncertain Significance. Advanced modeling of protein sequence and biophysical properties (such as structural, functional, and spatial information, amino acid conservation, physicochemical variation, residue mobility, and thermodynamic stability) performed at Invitae indicates that this missense variant is expected to disrupt HNF1B protein function. ClinVar contains an entry for this variant (Variation ID: 972748). This variant has not been reported in the literature in individuals affected with HNF1B-related conditions. This variant is present in population databases (rs767576616, gnomAD 0.04%), and has an allele count higher than expected for a pathogenic variant. This sequence change replaces glycine, which is neutral and non-polar, with arginine, which is basic and polar, at codon 68 of the HNF1B protein (p.Gly68Arg).

Broad Center for Mendelian Genomics, Broad Institute of MIT and Harvard
Classification: Uncertain significance for Maturity-onset diabetes of the young. Last evaluated: 2020-01-22. Review status: criteria provided, single submitter. Criteria: ACMG Guidelines, 2015. Collection method: curation. Allele origin: germline. Inheritance: Autosomal dominant inheritance.
Comment: The p.Gly68Arg variant in HNF1B has not been previously reported in individuals with MODY and has been identified in 0.04% (13/30610) of South Asian chromosomes by the Genome Aggregation Database (gnomAD; dbSNP rs767576616). This variant has been seen in the general population at a frequency high enough to rule out a pathogenic role. Computational prediction tools and conservation analyses suggest that this variant may impact the protein, though this information is not predictive enough to determine pathogenicity. In summary, the clinical significance of the p.Gly68Arg variant is uncertain. ACMG/AMP Criteria applied: BA1, PP3 (Richards 2015).

Clinical Genomics, Uppaluri K&H Personalized Medicine Clinic
Classification: Likely risk allele for Maturity-onset diabetes of the young. Review status: flagged submission. Criteria: K & H Uppaluri Personalized Medicine Clinic Variant Classification & Assertion Criteria_Updated V.1. Collection method: research. Allele origin: unknown. Inheritance: Autosomal dominant inheritance. Not counted in ClinVar's aggregate classification.
Comment: HNF1B gene mutations are associated with early onset diabetes and pancreatic atrophy. It is also associated with multiple renal manifestations including renal cysts, Tubulointerstitial disease, glomerulocystic disease, renal hypoplasia, hypomagnesemia. However no sufficient evidence is found to ascertain the role of this particular variant rs767576616, yet.
ClinVar note: Notes: Lab calls the variant likely risk allele but says "no sufficient evidence is found to ascertain the role of this particular variant”.
ClinVar note: Reason: Claim with insufficient supporting evidence

Literature cited by the submitters: PubMed 24897035 (cited by Clinical Genomics, Uppaluri K&H Personalized Medicine Clinic); PubMed 25536396 (cited by Clinical Genomics, Uppaluri K&H Personalized Medicine Clinic); PubMed 27615128 (cited by Clinical Genomics, Uppaluri K&H Personalized Medicine Clinic); PubMed 28215227 (cited by Clinical Genomics, Uppaluri K&H Personalized Medicine Clinic); PubMed 33434175 (cited by Clinical Genomics, Uppaluri K&H Personalized Medicine Clinic); PubMed 25741167 (cited by Clinical Genomics, Uppaluri K&H Personalized Medicine Clinic); PubMed 26340261 (cited by Clinical Genomics, Uppaluri K&H Personalized Medicine Clinic); PubMed 19639018 (cited by Clinical Genomics, Uppaluri K&H Personalized Medicine Clinic).

NM_000458.4(HNF1B):c.202G>C (p.Gly68Arg)

Gene: HNF1B (HNF1 homeobox B; minus strand). Cytogenetic location: 17q12.
Variant type: single nucleotide variant.
Coding change: c.202G>C on transcript NM_000458.4 (MANE Select); coding-DNA position 202, G replaced by C.
Protein change: p.Gly68Arg; replaces glycine 68 with arginine.
Molecular consequence: missense variant.
Genome position (GRCh38, 1-based): chr17:37,744,683, C>G on the plus strand (G>C on the coding strand, the complement: HNF1B is on the minus strand). VCF-style: chr17-37744683-C-G. GRCh37 (hg19) VCF-style: chr17-36104674-C-G.
Other names: c.202G>C, p.Gly68Arg (NM_001165923.4, NM_001304286.2); short protein forms G68R.
Identifiers: ClinVar variation 972748 (VCV000972748.8), dbSNP rs767576616, ClinGen allele CA8519133.